The following is an entry in ClinVar:

NM_000271.5(NPC1):c.576C>G (p.Tyr192Ter)

Gene: NPC1 (NPC intracellular cholesterol transporter 1; minus strand). Cytogenetic location: 18q11.2.
Variant type: single nucleotide variant.
Coding change: c.576C>G on transcript NM_000271.5 (MANE Select); coding-DNA position 576, C replaced by G.
Protein change: p.Tyr192Ter; replaces tyrosine 192 with a stop codon.
Molecular consequence: nonsense.
Genome position (GRCh38, 1-based): chr18:23,561,415, G>C on the plus strand (C>G on the coding strand, the complement: NPC1 is on the minus strand). VCF-style: chr18-23561415-G-C. GRCh37 (hg19) VCF-style: chr18-21141379-G-C.
Other names: short protein forms Y192*.
Identifiers: ClinVar variation 5014132 (VCV005014132.1).

ClinVar aggregate classification (germline): Pathogenic (1 of 4 stars; one submission).

Conditions:
Niemann-Pick disease, type C1. Also called: NEUROVISCERAL STORAGE DISEASE WITH VERTICAL SUPRANUCLEAR OPHTHALMOPLEGIA; NIEMANN-PICK DISEASE WITH CHOLESTEROL ESTERIFICATION BLOCK; NIEMANN-PICK DISEASE WITHOUT SPHINGOMYELINASE DEFICIENCY; NIEMANN-PICK DISEASE, CHRONIC NEURONOPATHIC FORM; NIEMANN-PICK DISEASE, VARIANT TYPE C1. Identifiers: Orphanet 646, MedGen C3179455, MONDO:0009757, OMIM 257220.

Submission:

Myriad Genetics, Inc.
Classification: Pathogenic for Niemann-Pick disease, type C1. Last evaluated: 2025-02-26. Review status: criteria provided, single submitter. Criteria: Myriad Autosomal Dominant, Autosomal Recessive and X-Linked Classification Criteria (2023). Collection method: clinical testing. Allele origin: unknown.
Comment: NM_000271.4(NPC1):c.576C>G(Y192*) is expected to be pathogenic in the context of Niemann-Pick disease type C1. This variant is predicted to lead to an abnormal or absent protein product due to the creation of a premature termination codon in NPC1, a gene where loss-of-function variants are known to be pathogenic. Please note: this variant was assessed in the context of healthy population screening.